The following is an entry in ClinVar:

ClinVar aggregate classification (germline): Uncertain significance (1 of 4 stars; one submission).

Conditions:
Hereditary cancer-predisposing syndrome. Also called: Tumor predisposition; Hereditary neoplastic syndrome; Hereditary Cancer Syndrome; Neoplastic Syndromes, Hereditary. Identifiers: Orphanet 140162, MedGen C0027672, MeSH D009386, MONDO:0015356.

Submission:

Ambry Genetics
Classification: Uncertain significance for Hereditary cancer-predisposing syndrome. Last evaluated: 2024-03-14. Review status: criteria provided, single submitter. Criteria: Ambry Variant Classification Scheme 2023. Collection method: clinical testing. Allele origin: germline.
Comment: The p.A191E variant (also known as c.572C>A), located in coding exon 6 of the PRKAR1A gene, results from a C to A substitution at nucleotide position 572. The alanine at codon 191 is replaced by glutamic acid, an amino acid with dissimilar properties. This amino acid position is conserved. In addition, the in silico prediction for this alteration is inconclusive. Based on the available evidence, the clinical significance of this alteration remains unclear.

NM_002734.5(PRKAR1A):c.572C>A (p.Ala191Glu)

Gene: PRKAR1A (protein kinase cAMP-dependent type I regulatory subunit alpha; plus strand). Cytogenetic location: 17q24.2.
Variant type: single nucleotide variant.
Coding change: c.572C>A on transcript NM_002734.5 (MANE Select); coding-DNA position 572, C replaced by A.
Protein change: p.Ala191Glu; replaces alanine 191 with glutamic acid.
Molecular consequence: missense variant.
Genome position (GRCh38, 1-based): chr17:68,525,776, C>A. VCF-style: chr17-68525776-C-A. GRCh37 (hg19) VCF-style: chr17-66521917-C-A.
Other names: c.572C>A, p.Ala191Glu (NM_001276289.2, NM_001276290.1, NM_001278433.2 and 4 more transcripts); short protein forms A191E.
Identifiers: ClinVar variation 3222771 (VCV003222771.1), dbSNP rs752432156, ClinGen allele CA400753101.
Genomic context (GRCh38, chr17:68,525,776, plus strand): 5'-CTAGAAAATAAACTTTTTTGATGTCACTTGCACTTTAGGTCTATGTTAACAATGAATGGG[C>A]AACCAGTGTTGGGGAAGGAGGGAGCTTTGGAGAACTTGCTTTGATTTATGGAACACCGAG-3'
Protein context (NP_002725.1, residues 181-201): ETDVYVNNEW[Ala191Glu]TSVGEGGSFG